The following is an entry in ClinVar:

NM_012079.6(DGAT1):c.1260C>G (p.Ser420Arg)

Gene: DGAT1 (diacylglycerol O-acyltransferase 1; minus strand). Cytogenetic location: 8q24.3.
Variant type: single nucleotide variant.
Coding change: c.1260C>G on transcript NM_012079.6 (MANE Select); coding-DNA position 1260, C replaced by G.
Protein change: p.Ser420Arg; replaces serine 420 with arginine.
Molecular consequence: missense variant.
Genome position (GRCh38, 1-based): chr8:144,316,904, G>C on the plus strand (C>G on the coding strand, the complement: DGAT1 is on the minus strand). VCF-style: chr8-144316904-G-C. GRCh37 (hg19) VCF-style: chr8-145540567-G-C.
Other names: short protein forms S420R.
Identifiers: ClinVar variation 391164 (VCV000391164.2), dbSNP rs372051069, ClinGen allele CA16605211.
Genomic context (GRCh38, chr8:144,316,904, plus strand): 5'-GTCACTCACCTGAGCCATCATGCCCGTGAACGCCCAGAGGCGGAACATTCGCAGAGGGAC[G>C]CTCACCAGGTACTGAGATGGGAGGGAGAGAGGATGCCAGGGAGTGGGGTGTCAGCCGTCC-3'
Protein context (NP_036211.2, residues 410-430): ASAFFHEYLV[Ser420Arg]VPLRMFRLWA

ClinVar aggregate classification (germline): Likely pathogenic (1 of 4 stars; one submission).

gnomAD v4.1: 1 of 1,612,314 alleles (0.000062%); highest among the groups gnomAD compares: Non-Finnish European, 0.000085%; no homozygotes.

Submission:

GeneDx
Classification: Likely pathogenic. Last evaluated: 2016-12-14. Review status: criteria provided, single submitter. Criteria: GeneDx Variant Classification (06012015). Collection method: clinical testing. Allele origin: germline. Affected: yes.
Comment: The S420R variant in the DGAT1 has not been reported previously as a pathogenic variant, nor as a benign variant, to our knowledge. The S420R variant was not observed in approximately 6500 individuals of European and African American ancestry in the NHLBI Exome Sequencing Project, indicating it is not a common benign variant in these populations. The S420R variant is a semi-conservative amino acid substitution, which may impact secondary protein structure as these residues differ in some properties. This substitution occurs at a position that is conserved across species. In silico analysis predicts this variant is probably damaging to the protein structure/function. The S420R variant is a strong candidate for a pathogenic variant.